The following is an entry in ClinVar:

ClinVar aggregate classification (germline): Uncertain significance (1 of 4 stars; one submission).

Submission:

GeneDx
Classification: Uncertain significance. Last evaluated: 2024-09-18. Review status: criteria provided, single submitter. Criteria: GeneDx Variant Classification Process June 2021. Collection method: clinical testing. Allele origin: germline.
Comment: Not observed at significant frequency in large population cohorts (gnomAD); In silico analysis supports that this missense variant has a deleterious effect on protein structure/function; Has not been previously published as pathogenic or benign to our knowledge

NM_181672.3(OGT):c.3059A>G (p.Tyr1020Cys)

Gene: OGT (O-linked N-acetylglucosamine (GlcNAc) transferase; plus strand). Cytogenetic location: Xq13.1.
Variant type: single nucleotide variant.
Coding change: c.3059A>G on transcript NM_181672.3 (MANE Select); coding-DNA position 3059, A replaced by G.
Protein change: p.Tyr1020Cys; replaces tyrosine 1020 with cysteine.
Molecular consequence: missense variant.
Genome position (GRCh38, 1-based): chrX:71,573,712, A>G. VCF-style: chrX-71573712-A-G. GRCh37 (hg19) VCF-style: chrX-70793562-A-G.
Other names: c.3029A>G, p.Tyr1010Cys (NM_181673.3); short protein forms Y1010C, Y1020C.
Identifiers: ClinVar variation 2446118 (VCV002446118.2), dbSNP rs2522869532, ClinGen allele CA413527298.